The following is an entry in ClinVar:

NM_015465.5(GEMIN5):c.157C>T (p.Pro53Ser)

Gene: GEMIN5 (gem nuclear organelle associated protein 5; minus strand). Cytogenetic location: 5q33.2.
Variant type: single nucleotide variant.
Coding change: c.157C>T on transcript NM_015465.5 (MANE Select); coding-DNA position 157, C replaced by T.
Protein change: p.Pro53Ser; replaces proline 53 with serine.
Molecular consequence: missense variant.
Genome position (GRCh38, 1-based): chr5:154,937,977, G>A on the plus strand (C>T on the coding strand, the complement: GEMIN5 is on the minus strand). VCF-style: chr5-154937977-G-A. GRCh37 (hg19) VCF-style: chr5-154317537-G-A.
Other names: c.157C>T, p.Pro53Ser (NM_001252156.2); short protein forms P53S.
Identifiers: ClinVar variation 2576908 (VCV002576908.1), dbSNP rs1160719788, ClinGen allele CA361934079.

ClinVar aggregate classification (germline): Uncertain significance (1 of 4 stars; one submission).

Allele frequency attached by ClinVar (database versions not stated): gnomAD exomes below 0.00001; gnomAD 0.00001; TOPMed 0.00001.
gnomAD v4.1: 4 of 1,573,844 alleles (0.00025%); highest among the groups gnomAD compares: Non-Finnish European, 0.00034%; no homozygotes.

Submission:

GeneDx
Classification: Uncertain significance. Last evaluated: 2023-02-16. Review status: criteria provided, single submitter. Criteria: GeneDx Variant Classification Process June 2021. Collection method: clinical testing. Allele origin: germline. Affected: yes.
Comment: Not observed at significant frequency in large population cohorts (gnomAD); In silico analysis supports that this missense variant does not alter protein structure/function; Has not been previously published as pathogenic or benign to our knowledge